The following is an entry in ClinVar:

NM_001110556.2(FLNA):c.5074G>C (p.Asp1692His)

Gene: FLNA (filamin A; minus strand). Cytogenetic location: Xq28.
Variant type: single nucleotide variant.
Coding change: c.5074G>C on transcript NM_001110556.2 (MANE Select); coding-DNA position 5074, G replaced by C.
Protein change: p.Asp1692His; replaces aspartic acid 1692 with histidine.
Molecular consequence: missense variant.
Genome position (GRCh38, 1-based): chrX:154,354,968, C>G on the plus strand (G>C on the coding strand, the complement: FLNA is on the minus strand). VCF-style: chrX-154354968-C-G. GRCh37 (hg19) VCF-style: chrX-153583336-C-G.
Other names: c.5050G>C, p.Asp1684His (NM_001456.4); short protein forms D1684H, D1692H.
Identifiers: ClinVar variation 3603133 (VCV003603133.1).

ClinVar aggregate classification (germline): Uncertain significance (1 of 4 stars; one submission).

Submission:

GeneDx
Classification: Uncertain significance. Last evaluated: 2024-08-07. Review status: criteria provided, single submitter. Criteria: GeneDx Variant Classification Process June 2021. Collection method: clinical testing. Allele origin: germline. Affected: yes.
Comment: Not observed at significant frequency in large population cohorts (gnomAD); In silico analysis supports that this missense variant has a deleterious effect on protein structure/function; In silico analysis suggests this variant may impact gene splicing. In the absence of RNA/functional studies, the actual effect of this sequence change is unknown.; Has not been previously published as pathogenic or benign to our knowledge